The following is an entry in ClinVar:

ClinVar aggregate classification (germline): Conflicting classifications of pathogenicity. Review status: criteria provided, conflicting classifications (1 of 4 stars). 3 submissions from 3 submitters: Likely pathogenic (2); Uncertain significance (1). Last evaluated 2025-11-24.

Conditions:
Mitochondrial disease. Also called: Mitochondrial disorders; Mitochondrial disorder. Identifiers: Orphanet 68380, MedGen C0751651, MeSH D028361, MONDO:0044970.

Allele frequency attached by ClinVar (database versions not stated): gnomAD exomes below 0.00001; TOPMed below 0.00001; gnomAD 0.00001.

Submissions (3):

Genomenon, Inc
Classification: Likely pathogenic for Mitochondrial disease. Last evaluated: 2025-11-24. Review status: criteria provided, single submitter. Criteria: Genomenon Sequence Variant Interpretation Standards - Updated. Collection method: curation. Allele origin: germline. Affected: yes.
Comment: TK2 p.Phe70Ser (c.209T>C) is a missense variant that changes the amino acid at residue 70 from Phenylalanine to Serine. This variant has been observed in a proband affected with mitochondrial disease in the compound heterozygous state, with a pathogenic or likely pathogenic variant confirmed in trans (27839525). This variant is not present at a significant frequency in gnomAD and in silico models agree that this variant is possibly or probably damaging. In conclusion, we classify TK2 p.Phe70Ser (c.209T>C) as a likely pathogenic variant.

Women's Health and Genetics/Laboratory Corporation of America, LabCorp
Classification: Uncertain significance. Last evaluated: 2025-11-20. Review status: criteria provided, single submitter. Criteria: LabCorp Variant Classification Summary - May 2015. Collection method: clinical testing. Allele origin: germline.
Comment: Variant summary: TK2 c.209T>C (p.Phe70Ser) results in a non-conservative amino acid change in the encoded protein sequence. Algorithms developed to predict the effect of missense changes on protein structure and function all suggest that this variant is likely to be disruptive. The variant was absent in 251474 control chromosomes (gnomAD). The available data on variant occurrences in the general population are insufficient to allow any conclusion about variant significance. c.209T>C has been observed in one individual affected with clinical features of thymidine kinase 2 deficiency (Mazurova_2016). These data do not allow any conclusion about variant significance. To our knowledge, no experimental evidence demonstrating an impact on protein function has been reported. The following publication have been ascertained in the context of this evaluation (PMID: 27839525). ClinVar contains an entry for this variant (Variation ID: 2736365). Based on the evidence outlined above, the variant was classified as uncertain significance.

Labcorp Genetics (formerly Invitae), Labcorp
Classification: Likely pathogenic. Last evaluated: 2022-12-22. Review status: criteria provided, single submitter. Criteria: Invitae Variant Classification Sherloc (09022015). Collection method: clinical testing. Allele origin: germline.
Comment: In summary, the currently available evidence indicates that the variant is pathogenic, but additional data are needed to prove that conclusively. Therefore, this variant has been classified as Likely Pathogenic. Advanced modeling of protein sequence and biophysical properties (such as structural, functional, and spatial information, amino acid conservation, physicochemical variation, residue mobility, and thermodynamic stability) performed at Invitae indicates that this missense variant is expected to disrupt TK2 protein function. This missense change has been observed in individual(s) with TK2-related conditions (PMID: 27839525). In at least one individual the data is consistent with being in trans (on the opposite chromosome) from a pathogenic variant. This variant is not present in population databases (gnomAD no frequency). This sequence change replaces phenylalanine, which is neutral and non-polar, with serine, which is neutral and polar, at codon 70 of the TK2 protein (p.Phe70Ser).

Literature cited by the submitters: PubMed 27839525 (cited by Women's Health and Genetics/Laboratory Corporation of America, LabCorp and Labcorp Genetics (formerly Invitae), Labcorp).

NM_004614.5(TK2):c.209T>C (p.Phe70Ser)

Gene: TK2 (thymidine kinase 2; minus strand). Cytogenetic location: 16q21.
Variant type: single nucleotide variant.
Coding change: c.209T>C on transcript NM_004614.5 (MANE Select); coding-DNA position 209, T replaced by C.
Protein change: p.Phe70Ser; replaces phenylalanine 70 with serine.
Molecular consequence: missense variant. On other transcripts: 5 prime UTR variant (1), non-coding transcript variant (1), intron variant (1).
Genome position (GRCh38, 1-based): chr16:66,541,901, A>G on the plus strand (T>C on the coding strand, the complement: TK2 is on the minus strand). VCF-style: chr16-66541901-A-G. GRCh37 (hg19) VCF-style: chr16-66575804-A-G.
Other names: c.209T>C (NM_004614.4); c.116T>C, p.Phe39Ser (NM_001172643.1, NM_001271935.1); c.209T>C, p.Phe70Ser (NM_001172645.2); c.62T>C, p.Phe21Ser (NM_001271934.2); c.-83T>C (NM_001272050.2); c.157-4884T>C (NM_001172644.2); short protein forms F21S, F39S, F70S.
Identifiers: ClinVar variation 2736365 (VCV002736365.6), dbSNP rs1567539396, ClinGen allele CA396192486.